The following is an entry in ClinVar:

ClinVar aggregate classification (germline): Uncertain significance (1 of 4 stars; one submission).

gnomAD v4.1: 29 of 1,613,632 alleles (0.0018%); highest among the groups gnomAD compares: East Asian, 0.049%; no homozygotes.

Submission:

Ambry Genetics
Classification: Uncertain significance. Last evaluated: 2026-03-03. Review status: criteria provided, single submitter. Criteria: Ambry Variant Classification Scheme 2023. Collection method: clinical testing. Allele origin: germline.
Comment: The c.187G>A (p.E63K) alteration is located in exon 2 (coding exon 2) of the CASP4 gene. This alteration results from a G to A substitution at nucleotide position 187, causing the glutamic acid (E) at amino acid position 63 to be replaced by a lysine (K). Based on data from gnomAD, the A allele has an overall frequency of 0.003% (7/250922) total alleles studied. The highest observed frequency was 0.022% (4/18388) of East Asian alleles. Based on insufficient or conflicting evidence, the clinical significance of this alteration remains unclear.

NM_001225.4(CASP4):c.187G>A (p.Glu63Lys)

Gene: CASP4 (caspase 4; minus strand). Cytogenetic location: 11q22.3.
Variant type: single nucleotide variant.
Coding change: c.187G>A on transcript NM_001225.4 (MANE Select); coding-DNA position 187, G replaced by A.
Protein change: p.Glu63Lys; replaces glutamic acid 63 with lysine.
Molecular consequence: missense variant.
Genome position (GRCh38, 1-based): chr11:104,954,822, C>T on the plus strand (G>A on the coding strand, the complement: CASP4 is on the minus strand). VCF-style: chr11-104954822-C-T. GRCh37 (hg19) VCF-style: chr11-104825549-C-T.
Other names: c.19G>A, p.Glu7Lys (NM_033306.3); short protein forms E7K, E63K.
Identifiers: ClinVar variation 4832758 (VCV004832758.1).